The following is an entry in ClinVar:

ClinVar aggregate classification (germline): Likely pathogenic (1 of 4 stars; one submission).

Conditions:
Ciliary dyskinesia, primary, 49, without situs inversus (CILD49). Identifiers: MedGen C5774291, MONDO:0859353, OMIM 620197.

Submission:

Variantyx, Inc.
Classification: Likely pathogenic for Ciliary dyskinesia, primary, 49, without situs inversus. Last evaluated: 2025-05-09. Review status: criteria provided, single submitter. Criteria: Variantyx Assertion Criteria 2022. Collection method: clinical testing. Allele origin: germline. Inheritance: Autosomal recessive inheritance.
Comment: This is a frameshift variant in the CFAP74 gene (OMIM: 620187). Pathogenic variants in this gene have been associated with autosomal recessive primary ciliary dyskinesia 49 without situs inversus. This variant introduces a premature termination codon in exon 9 out of 38 and is expected to result in loss of function, which is a known disease mechanism for CFAP74 in this disorder (PMID: 36047773) (PVS1). This variant has a 0.0002% maximum allele frequency in non-founder control populations (PM2_Supporting). Based on the current evidence, this variant is classified as likely pathogenic for autosomal recessive primary ciliary dyskinesia 49 without situs inversus.

Literature cited by the submitters: PubMed 36047773.

NM_001304360.2(CFAP74):c.832_833del (p.Met278fs)

Gene: CFAP74 (cilia and flagella associated protein 74; minus strand). Cytogenetic location: 1p36.33.
Variant type: Deletion.
Coding change: c.832_833del on transcript NM_001304360.2 (MANE Select); coding-DNA positions 832 to 833, 2 bases deleted (AT; older notation c.832_833delAT).
Protein change: p.Met278fs; shifts the reading frame from methionine 278.
Molecular consequence: frameshift variant.
Genome position (GRCh38, 1-based): chr1:1,972,035-1,972,036, AT deleted on the plus strand (AT on the coding strand, the reverse complement: CFAP74 is on the minus strand). VCF-style (leftmost placement, unchanged base first): chr1-1972034-CAT-C. GRCh37 (hg19) VCF-style: chr1-1903473-CAT-C.
Other names: short protein forms M278fs.
Identifiers: ClinVar variation 4850121 (VCV004850121.1).